The following is an entry in ClinVar:

ClinVar aggregate classification (germline): Uncertain significance. Review status: criteria provided, multiple submitters, no conflicts (2 of 4 stars). 2 submissions from 2 submitters: Uncertain significance (2). Last evaluated 2025-10-07.

Conditions:
Inborn genetic diseases. Identifiers: MedGen C0950123, MeSH D030342.

Allele frequency attached by ClinVar (database versions not stated): TOPMed 0.00001.

Submissions (2):

Ambry Genetics
Classification: Uncertain significance for Inborn genetic diseases. Last evaluated: 2025-10-07. Review status: criteria provided, single submitter. Criteria: Ambry Variant Classification Scheme 2023. Collection method: clinical testing. Allele origin: germline.

Labcorp Genetics (formerly Invitae), Labcorp
Classification: Uncertain significance. Last evaluated: 2024-02-27. Review status: criteria provided, single submitter. Criteria: Invitae Variant Classification Sherloc (09022015). Collection method: clinical testing. Allele origin: germline.
Comment: This sequence change replaces threonine, which is neutral and polar, with isoleucine, which is neutral and non-polar, at codon 784 of the TOPORS protein (p.Thr784Ile). This variant is not present in population databases (gnomAD no frequency). This variant has not been reported in the literature in individuals affected with TOPORS-related conditions. ClinVar contains an entry for this variant (Variation ID: 2175056). Experimental studies and prediction algorithms are not available or were not evaluated, and the functional significance of this variant is currently unknown. In summary, the available evidence is currently insufficient to determine the role of this variant in disease. Therefore, it has been classified as a Variant of Uncertain Significance.

NM_005802.5(TOPORS):c.2351C>T (p.Thr784Ile)

Gene: TOPORS (TOP1 binding arginine/serine rich protein, E3 ubiquitin ligase; minus strand). Cytogenetic location: 9p21.1.
Variant type: single nucleotide variant.
Coding change: c.2351C>T on transcript NM_005802.5 (MANE Select); coding-DNA position 2351, C replaced by T.
Protein change: p.Thr784Ile; replaces threonine 784 with isoleucine.
Molecular consequence: missense variant.
Genome position (GRCh38, 1-based): chr9:32,542,174, G>A on the plus strand (C>T on the coding strand, the complement: TOPORS is on the minus strand). VCF-style: chr9-32542174-G-A. GRCh37 (hg19) VCF-style: chr9-32542172-G-A.
Other names: c.2351C>T (NM_005802.4); c.2156C>T, p.Thr719Ile (NM_001195622.2); short protein forms T719I, T784I.
Identifiers: ClinVar variation 2175056 (VCV002175056.5), dbSNP rs1821074308, ClinGen allele CA373164119.